The following is an entry in ClinVar:

ClinVar aggregate classification (germline): Uncertain significance. Review status: criteria provided, multiple submitters, no conflicts (2 of 4 stars). 3 submissions from 3 submitters: Uncertain significance (3). Last evaluated 2025-08-24.

Conditions:
Inborn genetic diseases. Identifiers: MedGen C0950123, MeSH D030342.
Netherton syndrome (NETH). Also called: NETHERTON DISEASE; ERYTHRODERMA, ICHTHYOSIFORM, WITH HYPOTRICHOSIS AND HYPER-IgE; COMEL-NETHERTON SYNDROME. Identifiers: Orphanet 634, MedGen C5574950, MONDO:0009735, OMIM 256500.

Allele frequency attached by ClinVar (database versions not stated): TOPMed 0.00014; 1000 Genomes Project 30x 0.00031; 1000 Genomes Project 0.00040.
gnomAD v4.1: 60 of 1,614,098 alleles (0.0037%); highest among the groups gnomAD compares: African/African-American, 0.029%; no homozygotes.

Submissions (3):

Ambry Genetics
Classification: Uncertain significance for Inborn genetic diseases. Last evaluated: 2025-08-24. Review status: criteria provided, single submitter. Criteria: Ambry Variant Classification Scheme 2023. Collection method: clinical testing. Allele origin: germline.

GeneDx
Classification: Uncertain significance. Last evaluated: 2024-02-23. Review status: criteria provided, single submitter. Criteria: GeneDx Variant Classification Process June 2021. Collection method: clinical testing. Allele origin: germline. Affected: yes.
Comment: Has not been previously published as pathogenic or benign to our knowledge; In silico analysis supports that this missense variant does not alter protein structure/function

Labcorp Genetics (formerly Invitae), Labcorp
Classification: Uncertain significance for Ichthyosis linearis circumflexa. Last evaluated: 2022-08-05. Review status: criteria provided, single submitter. Criteria: Invitae Variant Classification Sherloc (09022015). Collection method: clinical testing. Allele origin: germline.
Comment: This sequence change replaces arginine, which is basic and polar, with glutamine, which is neutral and polar, at codon 920 of the SPINK5 protein (p.Arg920Gln). This variant is present in population databases (rs371134163, gnomAD 0.05%). This variant has not been reported in the literature in individuals affected with SPINK5-related conditions. ClinVar contains an entry for this variant (Variation ID: 945107). Algorithms developed to predict the effect of missense changes on protein structure and function output the following: SIFT: "Tolerated"; PolyPhen-2: "Benign"; Align-GVGD: "Class C0". The glutamine amino acid residue is found in multiple mammalian species, which suggests that this missense change does not adversely affect protein function. In summary, the available evidence is currently insufficient to determine the role of this variant in disease. Therefore, it has been classified as a Variant of Uncertain Significance.

NM_006846.4(SPINK5):c.2759G>A (p.Arg920Gln)

Gene: SPINK5 (serine peptidase inhibitor Kazal type 5; plus strand). Cytogenetic location: 5q32.
Variant type: single nucleotide variant.
Coding change: c.2759G>A on transcript NM_006846.4 (MANE Select); coding-DNA position 2759, G replaced by A.
Protein change: p.Arg920Gln; replaces arginine 920 with glutamine.
Molecular consequence: missense variant.
Genome position (GRCh38, 1-based): chr5:148,125,742, G>A. VCF-style: chr5-148125742-G-A. GRCh37 (hg19) VCF-style: chr5-147505305-G-A.
Other names: c.2849G>A, p.Arg950Gln (NM_001127698.2); short protein forms R920Q, R950Q.
Identifiers: ClinVar variation 945107 (VCV000945107.9), dbSNP rs371134163, ClinGen allele CA3496137.
Genomic context (GRCh38, chr5:148,125,742, plus strand): 5'-AGGGACAAAGCCATGTTCACTTTCCCTTTCTCATTTTCTAGGATGAGTGCAGTGAATTTC[G>A]AAACTATATAAGGAACAATGAACTCATCTGCCCTAGAGAGAATGACCCAGTGCACGGTGC-3'
Protein context (NP_006837.2, residues 910-930): NNAKDECSEF[Arg920Gln]NYIRNNELIC